The following is an entry in ClinVar:

ClinVar aggregate classification (germline): Uncertain significance (1 of 4 stars; one submission).

Conditions:
LAMA2-related muscular dystrophy (LAMA2-RD). Also called: Laminin alpha 2-related dystrophy. Identifiers: MedGen C5679788, MONDO:0100228.

Allele frequency attached by ClinVar (database versions not stated): gnomAD exomes below 0.00001.
gnomAD v4.1: 1 of 1,613,376 alleles (0.000062%); highest among the groups gnomAD compares: African/African-American, 0.0013%; no homozygotes.

Submission:

Labcorp Genetics (formerly Invitae), Labcorp
Classification: Uncertain significance for LAMA2-related muscular dystrophy. Last evaluated: 2022-04-03. Review status: criteria provided, single submitter. Criteria: Invitae Variant Classification Sherloc (09022015). Collection method: clinical testing. Allele origin: germline.
Comment: This variant is not present in population databases (gnomAD no frequency). This sequence change replaces lysine, which is basic and polar, with glutamic acid, which is acidic and polar, at codon 1915 of the LAMA2 protein (p.Lys1915Glu). This variant has not been reported in the literature in individuals affected with LAMA2-related conditions. Advanced modeling of protein sequence and biophysical properties (such as structural, functional, and spatial information, amino acid conservation, physicochemical variation, residue mobility, and thermodynamic stability) performed at Invitae indicates that this missense variant is not expected to disrupt LAMA2 protein function. In summary, the available evidence is currently insufficient to determine the role of this variant in disease. Therefore, it has been classified as a Variant of Uncertain Significance.

NM_000426.4(LAMA2):c.5743A>G (p.Lys1915Glu)

Gene: LAMA2 (laminin subunit alpha 2; plus strand). Cytogenetic location: 6q22.33.
Variant type: single nucleotide variant.
Coding change: c.5743A>G on transcript NM_000426.4 (MANE Select); coding-DNA position 5743, A replaced by G.
Protein change: p.Lys1915Glu; replaces lysine 1915 with glutamic acid.
Molecular consequence: missense variant.
Genome position (GRCh38, 1-based): chr6:129,403,837, A>G. VCF-style: chr6-129403837-A-G. GRCh37 (hg19) VCF-style: chr6-129724982-A-G.
Other names: c.5743A>G, p.Lys1915Glu (NM_001079823.2); short protein forms K1915E.
Identifiers: ClinVar variation 1946386 (VCV001946386.5), dbSNP rs2533301627, ClinGen allele CA365616883.